The following is an entry in ClinVar:

ClinVar aggregate classification (germline): Likely benign (1 of 4 stars; one submission).

Conditions:
UTP4-related disorder. Also called: UTP4-related condition.

gnomAD v4.1: 3 of 1,614,070 alleles (0.00019%); highest among the groups gnomAD compares: African/African-American, 0.004%; no homozygotes.

Submission:

PreventionGenetics, part of Exact Sciences
Classification: Likely benign for UTP4-related condition. Last evaluated: 2024-10-17. Review status: criteria provided, single submitter. Criteria: ACMG Guidelines, 2015. Collection method: clinical testing. Allele origin: germline.
Comment: This variant is classified as likely benign based on ACMG/AMP sequence variant interpretation guidelines (Richards et al. 2015 PMID: 25741868, with internal and published modifications).

NM_032830.3(UTP4):c.1383G>A (p.Leu461=)

Gene: UTP4 (UTP4 small subunit processome component). Cytogenetic location: 16q22.1.
Variant type: single nucleotide variant.
Coding change: c.1383G>A on transcript NM_032830.3 (MANE Select); coding-DNA position 1383, G replaced by A.
Protein change: p.Leu461=; no amino-acid change (leucine 461 retained).
Molecular consequence: synonymous variant.
Genome position (GRCh38, 1-based): chr16:69,157,179, G>A. VCF-style: chr16-69157179-G-A. GRCh37 (hg19) VCF-style: chr16-69191082-G-A.
Other names: c.1134G>A, p.Leu378= (NM_001318391.2).
Identifiers: ClinVar variation 4983247 (VCV004983247.1).
Genomic context (GRCh38, chr16:69,157,179, plus strand): 5'-TCAGATTTTGTTTTCTGAAGATTCAACAAAGCTCTTTGTAGCATCAAATCAAGGAGCTCT[G>A]CATATTGTTCAGCTGTCAGGAGGAAGCTTCAAGCACCTGCATGCTTTCCAGCCTCAGTCA-3'
Protein context (NP_116219.2, residues 451-471): KLFVASNQGA[Leu461=]HIVQLSGGSF